The following is an entry in ClinVar:

ClinVar aggregate classification (germline): Uncertain significance (1 of 4 stars; one submission).

Conditions:
Neuronopathy, distal hereditary motor, type 7A. Also called: Neuronopathy, distal hereditary motor, type viia; HARPER-YOUNG MYOPATHY; HMN VIIA; NEURONOPATHY, DISTAL HEREDITARY MOTOR, HARDING TYPE VIIA; NEUROPATHY, DISTAL HEREDITARY MOTOR, HARDING TYPE VIIA; Neuronopathy, distal hereditary motor, autosomal dominant 7. Identifiers: Orphanet 139589, MedGen C1834703, MONDO:0008024, OMIM 158580.
Congenital myasthenic syndrome 20. Also called: Myasthenic syndrome, congenital, 20, presynaptic. Identifiers: MedGen C4310694, MONDO:0014939, OMIM 617143.

Submission:

Labcorp Genetics (formerly Invitae), Labcorp
Classification: Uncertain significance for Neuronopathy, distal hereditary motor, type 7A; Congenital myasthenic syndrome 20. Last evaluated: 2017-12-13. Review status: criteria provided, single submitter. Criteria: Invitae Variant Classification Sherloc (09022015). Collection method: clinical testing. Allele origin: germline.
Comment: In summary, the available evidence is currently insufficient to determine the role of this variant in disease. Therefore, it has been classified as a Variant of Uncertain Significance. Algorithms developed to predict the effect of sequence changes on RNA splicing suggest that this variant is not likely to affect RNA splicing, but this prediction has not been confirmed by published transcriptional studies. This variant has not been reported in the literature in individuals with SLC5A7-related disease. This variant is not present in population databases (ExAC no frequency). This sequence change affects codon 59 of the SLC5A7 mRNA. It is a 'silent' change, meaning that it does not change the encoded amino acid sequence of the SLC5A7 protein.

NM_021815.5(SLC5A7):c.177A>G (p.Thr59=)

Gene: SLC5A7 (solute carrier family 5 member 7; plus strand). Cytogenetic location: 2q12.3.
Variant type: single nucleotide variant.
Coding change: c.177A>G on transcript NM_021815.5 (MANE Select); coding-DNA position 177, A replaced by G.
Protein change: p.Thr59=; no amino-acid change (threonine 59 retained).
Molecular consequence: synonymous variant. On other transcripts: 5 prime UTR variant (1), intron variant (1).
Genome position (GRCh38, 1-based): chr2:107,988,332, A>G. VCF-style: chr2-107988332-A-G. GRCh37 (hg19) VCF-style: chr2-108604788-A-G.
Other names: c.177A>G, p.Thr59= (NM_001305005.3); c.-528A>G (NM_001305007.3); c.-138+1569A>G (NM_001305006.3).
Identifiers: ClinVar variation 532817 (VCV000532817.6), dbSNP rs1553457528, ClinGen allele CA427883094.